The following is an entry in ClinVar:

NM_001278716.2(FBXL4):c.219T>C (p.Tyr73=)

Gene: FBXL4 (F-box and leucine rich repeat protein 4; minus strand). Cytogenetic location: 6q16.2.
Variant type: single nucleotide variant.
Coding change: c.219T>C on transcript NM_001278716.2 (MANE Select); coding-DNA position 219, T replaced by C.
Protein change: p.Tyr73=; no amino-acid change (tyrosine 73 retained).
Molecular consequence: synonymous variant. On other transcripts: non-coding transcript variant (2).
Genome position (GRCh38, 1-based): chr6:98,926,770, A>G on the plus strand (T>C on the coding strand, the complement: FBXL4 is on the minus strand). VCF-style: chr6-98926770-A-G. GRCh37 (hg19) VCF-style: chr6-99374646-A-G.
Other names: c.219T>C, p.Tyr73= (NM_012160.5).
Identifiers: ClinVar variation 437553 (VCV000437553.29), dbSNP rs747536886, ClinGen allele CA3933718.

ClinVar aggregate classification (germline): Conflicting classifications of pathogenicity. Review status: criteria provided, conflicting classifications (1 of 4 stars). 3 submissions from 3 submitters: Uncertain significance (1); Likely benign (2). Last evaluated 2025-06-01.

Conditions:
Mitochondrial DNA depletion syndrome 13. Also called: FBXL4-Related Encephalomyopathic Mitochondrial DNA Depletion Syndrome; Mitochondrial DNA depletion syndrome 13 (encephalomyopathic type). Identifiers: Orphanet 369897, MedGen C3809592, MONDO:0014198, OMIM 615471.

Allele frequency attached by ClinVar (database versions not stated): ExAC 0.00001; gnomAD exomes 0.00001; gnomAD 0.00002; TOPMed 0.00002.
gnomAD v4.1: 12 of 1,614,114 alleles (0.00074%); highest among the groups gnomAD compares: Non-Finnish European, 0.00093%; no homozygotes.

Submissions (3):

CeGaT Center for Human Genetics Tuebingen
Classification: Likely benign. Last evaluated: 2025-06-01. Review status: criteria provided, single submitter. Criteria: CeGaT Center For Human Genetics Tuebingen Variant Classification Criteria Version 2. Collection method: clinical testing. Allele origin: germline. Affected: yes. Observed: 2 variant alleles.
Comment: FBXL4: BP4, BP7

Labcorp Genetics (formerly Invitae), Labcorp
Classification: Likely benign. Last evaluated: 2024-11-19. Review status: criteria provided, single submitter. Criteria: Invitae Variant Classification Sherloc (09022015). Collection method: clinical testing. Allele origin: germline.

Wong Mito Lab, Molecular and Human Genetics, Baylor College of Medicine
Classification: Uncertain significance for Mitochondrial DNA depletion syndrome 13. Last evaluated: 2017-08-10. Review status: criteria provided, single submitter. Criteria: ACMG Guidelines, 2015. Collection method: reference population. Allele origin: germline.
Comment: The NM_012160.4:c.219T>C (NP_036292.2:p.Tyr73=) [GRCH38: NC_000006.12:g.98926770A>G] variant in FBXL4 gene is interpretated to be a Uncertain Significance - Conflicting Evidence based on ACMG guidelines (PMID: 25741868). This variant meets one or more of the following evidence codes reported in the ACMG-guideline. PM2:This variant is absent in key population databases. BP4:Computational evidence/predictors indicate no impact on the FBXL4 structure, function, or protein-protein interaction. BP7:The variant is silent with non predicted splice impact. Based on this evidence code ClinGen Pathogenicity Calculator (PMID:28081714) suggested that the variant is Uncertain Significance - Conflicting Evidence.